The following is an entry in ClinVar:

ClinVar aggregate classification (germline): Uncertain significance. Review status: criteria provided, multiple submitters, no conflicts (2 of 4 stars). 2 submissions from 2 submitters: Uncertain significance (2). Last evaluated 2024-05-12.

Conditions:
Familial cancer of breast. Also called: BREAST CANCER, FAMILIAL; hereditary breast carcinoma; Hereditary breast cancer. Identifiers: Orphanet 227535, MedGen C0346153, MONDO:0016419, OMIM 114480. Disease mechanism: loss of function.

Submissions (2):

Labcorp Genetics (formerly Invitae), Labcorp
Classification: Uncertain significance for Familial cancer of breast. Last evaluated: 2024-05-12. Review status: criteria provided, single submitter. Criteria: Invitae Variant Classification Sherloc (09022015). Collection method: clinical testing. Allele origin: germline.
Comment: This sequence change replaces histidine, which is basic and polar, with tyrosine, which is neutral and polar, at codon 46 of the PALB2 protein (p.His46Tyr). This variant is not present in population databases (gnomAD no frequency). This missense change has been observed in individual(s) with breast cancer (PMID: 21618343). An algorithm developed to predict the effect of missense changes on protein structure and function (PolyPhen-2) suggests that this variant is likely to be tolerated. Experimental studies have shown that this missense change affects PALB2 function (PMID: 31586400). In summary, the available evidence is currently insufficient to determine the role of this variant in disease. Therefore, it has been classified as a Variant of Uncertain Significance.

Baylor Genetics
Classification: Uncertain significance for Familial cancer of breast. Last evaluated: 2023-05-09. Review status: criteria provided, single submitter. Criteria: ACMG Guidelines, 2015. Collection method: clinical testing. Allele origin: unknown.

Literature cited by the submitters: PubMed 21618343 (cited by Labcorp Genetics (formerly Invitae), Labcorp); PubMed 31586400 (cited by Labcorp Genetics (formerly Invitae), Labcorp).

NM_024675.4(PALB2):c.136C>T (p.His46Tyr)

Gene: PALB2 (partner and localizer of BRCA2; minus strand). Cytogenetic location: 16p12.2.
Variant type: single nucleotide variant.
Coding change: c.136C>T on transcript NM_024675.4 (MANE Select); coding-DNA position 136, C replaced by T.
Protein change: p.His46Tyr; replaces histidine 46 with tyrosine.
Molecular consequence: missense variant. On other transcripts: 5 prime UTR variant (8), intron variant (3).
Genome position (GRCh38, 1-based): chr16:23,637,925, G>A on the plus strand (C>T on the coding strand, the complement: PALB2 is on the minus strand). VCF-style: chr16-23637925-G-A. GRCh37 (hg19) VCF-style: chr16-23649246-G-A.
Other names: c.76C>T, p.His26Tyr (NM_001407296.1); c.136C>T, p.His46Tyr (NM_001407297.1, NM_001407298.1, NM_001407299.1 and 3 more transcripts); c.-750C>T (NM_001407304.1, NM_001407305.1, NM_001407306.1 and 5 more transcripts); c.48+3185C>T (NM_001407314.1); c.-105+3185C>T (NM_001407313.1, NM_001407312.1); short protein forms H26Y, H46Y.
Identifiers: ClinVar variation 2677452 (VCV002677452.3), dbSNP rs2142457282, ClinGen allele CA395139336.
Genomic context (GRCh38, chr16:23,637,925, plus strand): 5'-GCGGTGAGAGATCCTGCTGAGACAAACAATCTTGTTCTTCTACTGTTTTCTTAATAGAAT[G>A]CTTAATCTTTTCAGCTCTTTGGGCACGCTAGAGGAGACAAAAACAGCCCCAGAAATACGT-3'
Protein context (NP_078951.2, residues 36-56): QRAQRAEKIK[His46Tyr]SIKKTVEEQD